The following is an entry in ClinVar:

ClinVar aggregate classification (germline): Likely benign (1 of 4 stars; one submission).

Allele frequency attached by ClinVar (database versions not stated): gnomAD exomes 0.00087; 1000 Genomes Project 0.00479; gnomAD 0.00505 and 0.00546; 1000 Genomes Project 30x 0.00531; TOPMed 0.00593.

Submission:

GeneDx
Classification: Likely benign. Last evaluated: 2018-06-14. Review status: criteria provided, single submitter. Criteria: GeneDx Variant Classification (06012015). Collection method: clinical testing. Allele origin: germline. Affected: yes.
Comment: This variant is considered likely benign or benign based on one or more of the following criteria: it is a conservative change, it occurs at a poorly conserved position in the protein, it is predicted to be benign by multiple in silico algorithms, and/or has population frequency not consistent with disease.

NM_001267550.2(TTN):c.106532-266C>T

Genes: TTN (titin; minus strand), TTN-AS1 (TTN antisense RNA 1; plus strand). Cytogenetic location: 2q31.2.
Variant type: single nucleotide variant.
Coding change: c.106532-266C>T on transcript NM_001267550.2 (MANE Select); 266 bases into the intron before coding-DNA position 106532, C replaced by T.
Molecular consequence: intron variant.
Genome position (GRCh38, 1-based): chr2:178,529,485, G>A on the plus strand (C>T on the coding strand, the complement: TTN is on the minus strand). VCF-style: chr2-178529485-G-A. GRCh37 (hg19) VCF-style: chr2-179394212-G-A.
Other names: c.79337-266C>T (NM_003319.4); c.79913-266C>T (NM_133437.4); c.79712-266C>T (NM_133432.3); c.98828-266C>T (NM_133378.4); c.101609-266C>T (NM_001256850.1).
Identifiers: ClinVar variation 672855 (VCV000672855.1), dbSNP rs116060073, ClinGen allele CA60951144.